The following is an entry in ClinVar:

ClinVar aggregate classification (germline): Conflicting classifications of pathogenicity. Review status: criteria provided, conflicting classifications (1 of 4 stars). 5 submissions from 5 submitters: Uncertain significance (4); Likely benign (1). Last evaluated 2025-12-03.

Conditions:
Hereditary cancer-predisposing syndrome. Also called: Neoplastic Syndromes, Hereditary; Hereditary neoplastic syndrome; Tumor predisposition; Hereditary Cancer Syndrome. Identifiers: Orphanet 140162, MedGen C0027672, MeSH D009386, MONDO:0015356.
Hereditary breast ovarian cancer syndrome. Also called: Hereditary breast and/or ovarian cancer syndrome; Hereditary breast and ovarian cancer syndrome (HBOC); Breast and ovarian cancer; Hereditary breast and ovarian cancer syndrome; BRCA1- and BRCA2-Associated Hereditary Breast and Ovarian Cancer; Hereditary breast and ovarian cancer. Identifiers: Orphanet 145, MedGen C0677776, MeSH D061325, MONDO:0003582. Disease mechanism: loss of function.
Breast-ovarian cancer, familial, susceptibility to, 2 (BROVCA2). Also called: BRCA2 Hereditary Breast and Ovarian Cancer. Identifiers: Orphanet 145, MedGen C2675520, MONDO:0012933, OMIM 612555. Disease mechanism: loss of function.

gnomAD v4.1: 4 of 1,601,812 alleles (0.00025%); highest among the groups gnomAD compares: East Asian, 0.0022%; no homozygotes.

Submissions (5):

Labcorp Genetics (formerly Invitae), Labcorp
Classification: Uncertain significance for Hereditary breast ovarian cancer syndrome. Last evaluated: 2025-12-03. Review status: criteria provided, single submitter. Criteria: Invitae Variant Classification Sherloc (09022015). Collection method: clinical testing. Allele origin: germline.
Comment: This sequence change replaces proline, which is neutral and non-polar, with leucine, which is neutral and non-polar, at codon 655 of the BRCA2 protein (p.Pro655Leu). This variant is present in population databases (no rsID available, gnomAD 0.006%). This missense change has been observed in individual(s) with breast or ovarian cancer (PMID: 30982232). ClinVar contains an entry for this variant (Variation ID: 664262). Invitae Evidence Modeling of protein sequence and biophysical properties (such as structural, functional, and spatial information, amino acid conservation, physicochemical variation, residue mobility, and thermodynamic stability) indicates that this missense variant is not expected to disrupt BRCA2 protein function with a negative predictive value of 95%. In summary, the available evidence is currently insufficient to determine the role of this variant in disease. Therefore, it has been classified as a Variant of Uncertain Significance.

Ambry Genetics
Classification: Uncertain significance for Hereditary cancer-predisposing syndrome. Last evaluated: 2025-08-28. Review status: criteria provided, single submitter. Criteria: Ambry Variant Classification Scheme 2023. Collection method: clinical testing. Allele origin: germline.
Comment: The p.P655L variant (also known as c.1964C>T), located in coding exon 10 of the BRCA2 gene, results from a C to T substitution at nucleotide position 1964. The proline at codon 655 is replaced by leucine, an amino acid with similar properties. This alteration was identified in a cohort of 481 Chinese breast cancer patients with family history of breast and/or ovarian cancer (Wang J et al. Cancer Med, 2019 May;8:2074-2084). This amino acid position is not well conserved in available vertebrate species. In addition, this alteration is predicted to be tolerated by in silico analysis. Since supporting evidence is limited at this time, the clinical significance of this alteration remains unclear.

All of Us Research Program, National Institutes of Health
Classification: Uncertain significance for Breast-ovarian cancer, familial, susceptibility to, 2. Last evaluated: 2023-08-23. Review status: criteria provided, single submitter. Criteria: ACMG Guidelines, 2015. Collection method: clinical testing. Allele origin: germline. Inheritance: Autosomal dominant inheritance. Observed: 1 variant allele, 1 heterozygote.
Comment: This missense variant replaces proline with leucine at codon 655 of the BRCA2 protein. Computational prediction suggests that this variant may not impact protein structure and function (internally defined REVEL score threshold <= 0.5, PMID: 27666373). To our knowledge, functional studies have not been reported for this variant. This variant has been reported in an individual affected with breast and/or ovarian cancer (PMID: 30982232) and in a breast cancer case-control meta-analysis in 2/60466 cases and 1/53461 unaffected individuals (PMID: 33471991; Leiden Open Variation Database DB-ID BRCA2_007911). This variant has been identified in 1/241642 chromosomes in the general population by the Genome Aggregation Database (gnomAD). The available evidence is insufficient to determine the role of this variant in disease conclusively. Therefore, this variant is classified as a Variant of Uncertain Significance.

This study involves interpretation of variants in research participants for the purpose of population health screening. Participant phenotype was not available at the time of variant classification. Additional details can be found in publication PMID: 35346344, PMCID: PMC8962531

University of Washington Department of Laboratory Medicine, University of Washington
Classification: Likely benign for Hereditary cancer-predisposing syndrome. Last evaluated: 2023-03-23. Review status: criteria provided, single submitter. Criteria: Dines et al. (Genet Med. 2020). Collection method: curation. Allele origin: germline.
Comment: Missense variant in a coldspot region where missense variants are very unlikely to be pathogenic (PMID:31911673).

BRCA2 exon 11 coldspot. Reclassification based on statistical prior probability.

Pittsburgh Clinical Genomics Laboratory, University of Pittsburgh Medical Center
Classification: Uncertain significance for Hereditary Breast and Ovarian Cancer Syndrome. Last evaluated: 2018-04-02. Review status: criteria provided, single submitter. Criteria: ACMG Guidelines, 2015. Collection method: clinical testing. Allele origin: germline. Affected: no. Observed: 1 variant allele.
Comment: This sequence variant is a single nucleotide substitution (C>T) that results in an proline to leucine amino acid change at residue 655 in the BRCA2 protein. This variant is rare, and is absent (0/117974 alleles) from the ExAC database and a frequency of 0.000004224 (1/236724 alleles) in the gnomAD database. The variant was not found in any published reports or databases of known BRCA2 variants. A known benign variant (BRCA2:c.1964C>G,p.Pro655Arg) occurs at this site, but as leucine and arginine differ greatly in biochemical properties, it is not possible to say that this variant is likely to share similar properties. Thus, we consider this to be a variant of uncertain significance.

Literature cited by the submitters: PubMed 30982232 (cited by 3 submitters); PubMed 33471991 (cited by All of Us Research Program, National Institutes of Health).

NM_000059.4(BRCA2):c.1964C>T (p.Pro655Leu)

Gene: BRCA2 (BRCA2 DNA repair associated; plus strand). Cytogenetic location: 13q13.1.
Variant type: single nucleotide variant.
Coding change: c.1964C>T on transcript NM_000059.4 (MANE Select); coding-DNA position 1964, C replaced by T.
Protein change: p.Pro655Leu; replaces proline 655 with leucine.
Molecular consequence: missense variant.
Genome position (GRCh38, 1-based): chr13:32,336,319, C>T. VCF-style: chr13-32336319-C-T. GRCh37 (hg19) VCF-style: chr13-32910456-C-T.
Other names: short protein forms P655L.
Identifiers: ClinVar variation 664262 (VCV000664262.14), dbSNP rs28897712, ClinGen allele CA387768507.
Genomic context (GRCh38, chr13:32,336,319, plus strand): 5'-GTTTAGGTTTATTGCATTCTTCTGTGAAAAGAAGCTGTTCACAGAATGATTCTGAAGAAC[C>T]AACTTTGTCCTTAACTAGCTCTTTTGGGACAATTCTGAGGAAATGTTCTAGAAATGAAAC-3'
Protein context (NP_000050.3, residues 645-665): RSCSQNDSEE[Pro655Leu]TLSLTSSFGT